The following is an entry in ClinVar:

ClinVar aggregate classification (germline): Uncertain significance (1 of 4 stars; one submission).

gnomAD v4.1: 31 of 1,552,040 alleles (0.002%); highest among the groups gnomAD compares: South Asian, 0.033%; 1 homozygote.

Submission:

Labcorp Genetics (formerly Invitae), Labcorp
Classification: Uncertain significance. Last evaluated: 2025-01-31. Review status: criteria provided, single submitter. Criteria: Invitae Variant Classification Sherloc (09022015). Collection method: clinical testing. Allele origin: germline.
Comment: This sequence change replaces alanine, which is neutral and non-polar, with valine, which is neutral and non-polar, at codon 374 of the KPNA7 protein (p.Ala374Val). This variant is present in population databases (rs542325281, gnomAD 0.02%). This variant has not been reported in the literature in individuals affected with KPNA7-related conditions. Invitae Evidence Modeling of protein sequence and biophysical properties (such as structural, functional, and spatial information, amino acid conservation, physicochemical variation, residue mobility, and thermodynamic stability) indicates that this missense variant is not expected to disrupt KPNA7 protein function with a negative predictive value of 80%. In summary, the available evidence is currently insufficient to determine the role of this variant in disease. Therefore, it has been classified as a Variant of Uncertain Significance.

NM_001145715.3(KPNA7):c.1121C>T (p.Ala374Val)

Gene: KPNA7 (karyopherin subunit alpha 7; minus strand). Cytogenetic location: 7q22.1.
Variant type: single nucleotide variant.
Coding change: c.1121C>T on transcript NM_001145715.3 (MANE Select); coding-DNA position 1121, C replaced by T.
Protein change: p.Ala374Val; replaces alanine 374 with valine.
Molecular consequence: missense variant.
Genome position (GRCh38, 1-based): chr7:99,184,942, G>A on the plus strand (C>T on the coding strand, the complement: KPNA7 is on the minus strand). VCF-style: chr7-99184942-G-A. GRCh37 (hg19) VCF-style: chr7-98782565-G-A.
Other names: short protein forms A374V.
Identifiers: ClinVar variation 4802251 (VCV004802251.1).